The following is an entry in ClinVar:

ClinVar aggregate classification (germline): Likely benign. Review status: criteria provided, single submitter (1 of 4 stars). 2 submissions from 2 submitters: Likely benign (1). 1 of the submissions does not count toward it. Last evaluated 2023-03-26.

Conditions:
FBLN5-related disorder. Also called: FBLN5-related condition.

Allele frequency attached by ClinVar (database versions not stated): gnomAD exomes 0.00001; ExAC 0.00002; gnomAD 0.00003; TOPMed 0.00004; ESP Exome Variant Server 0.00008.
gnomAD v4.1: 15 of 1,614,038 alleles (0.00093%); highest among the groups gnomAD compares: African/African-American, 0.0093%; no homozygotes.

Submissions (2):

Labcorp Genetics (formerly Invitae), Labcorp
Classification: Likely benign. Last evaluated: 2023-03-26. Review status: criteria provided, single submitter. Criteria: Invitae Variant Classification Sherloc (09022015). Collection method: clinical testing. Allele origin: germline.

PreventionGenetics, part of Exact Sciences
Classification: Likely benign for FBLN5-related condition. Last evaluated: 2019-11-26. Review status: no assertion criteria provided. Collection method: clinical testing. Allele origin: germline. Not counted in ClinVar's aggregate classification.
Comment: This variant is classified as likely benign based on ACMG/AMP sequence variant interpretation guidelines (Richards et al. 2015 PMID: 25741868, with internal and published modifications).

NM_006329.4(FBLN5):c.870C>T (p.Asn290=)

Gene: FBLN5 (fibulin 5; minus strand). Cytogenetic location: 14q32.12.
Variant type: single nucleotide variant.
Coding change: c.870C>T on transcript NM_006329.4 (MANE Select); coding-DNA position 870, C replaced by T.
Protein change: p.Asn290=; no amino-acid change (asparagine 290 retained).
Molecular consequence: synonymous variant.
Genome position (GRCh38, 1-based): chr14:91,881,411, G>A on the plus strand (C>T on the coding strand, the complement: FBLN5 is on the minus strand). VCF-style: chr14-91881411-G-A. GRCh37 (hg19) VCF-style: chr14-92347755-G-A.
Other names: c.993C>T, p.Asn331= (NM_001384158.1); c.921C>T, p.Asn307= (NM_001384159.1); c.870C>T, p.Asn290= (NM_001384160.1); c.702C>T, p.Asn234= (NM_001384161.1, NM_001384162.1).
Identifiers: ClinVar variation 2714624 (VCV002714624.5), dbSNP rs374301196, ClinGen allele CA7312701.